The following is an entry in ClinVar:

ClinVar aggregate classification (germline): Pathogenic/Likely pathogenic. Review status: criteria provided, multiple submitters, no conflicts (2 of 4 stars). 2 submissions from 2 submitters: Pathogenic (1); Likely pathogenic (1). Last evaluated 2017-01-13.

Allele frequency attached by ClinVar (database versions not stated): gnomAD exomes 0.00001.

Submissions (2):

GeneDx
Classification: Pathogenic. Last evaluated: 2017-01-13. Review status: criteria provided, single submitter. Criteria: GeneDx Variant Classification (06012015). Collection method: clinical testing. Allele origin: germline. Affected: yes.
Comment: The E382X nonsense variant in the CHM gene has been reported previously in association with sporadic retinal dystrophy (Patel et al., 2016). This variant is predicted to cause loss of normal protein function either through protein truncation or nonsense-mediated mRNA decay. The variant was not observed in approximately 6,500 individuals of European and African American ancestry in the NHLBI Exome Sequencing Project, indicating it is not a common benign variant in these populations. Therefore, we consider this variant to be pathogenic.

Genomic Medicine Center of Excellence, King Faisal Specialist Hospital and Research Centre
Classification: Likely pathogenic. Review status: criteria provided, single submitter. Criteria: ACMG Guidelines, 2015. Collection method: research. Allele origin: germline. Affected: yes.

NM_000390.4(CHM):c.1144G>T (p.Glu382Ter)

Gene: CHM (CHM Rab escort protein; minus strand). Cytogenetic location: Xq21.2.
Variant type: single nucleotide variant.
Coding change: c.1144G>T on transcript NM_000390.4 (MANE Select); coding-DNA position 1144, G replaced by T.
Protein change: p.Glu382Ter; replaces glutamic acid 382 with a stop codon.
Molecular consequence: nonsense.
Genome position (GRCh38, 1-based): chrX:85,956,175, C>A on the plus strand (G>T on the coding strand, the complement: CHM is on the minus strand). VCF-style: chrX-85956175-C-A. GRCh37 (hg19) VCF-style: chrX-85211180-C-A.
Other names: c.1144G>T (LRG_699t1); c.700G>T, p.Glu234Ter (NM_001320959.1, NM_001362517.1, NM_001362518.2 and 1 more transcripts); short protein forms E382*, E234*.
Identifiers: ClinVar variation 191251 (VCV000191251.2), dbSNP rs786205604, ClinGen allele CA236357.
Genomic context (GRCh38, chrX:85,956,175, plus strand): 5'-ACTTTTAGAAGGGACAAGAAAATCAATGGCAAACTTACCTGCAGAAACACTGGGGGAGTT[C>A]TCCTTGGCCATATAAAGGAAACAAAAATGGAGTGTTGCCATACCGCCCAAGACAGTGAAG-3'